The following is an entry in ClinVar:

ClinVar aggregate classification (germline): Uncertain significance. Review status: criteria provided, multiple submitters, no conflicts (2 of 4 stars). 2 submissions from 2 submitters: Uncertain significance (2). Last evaluated 2024-07-27.

Submissions (2):

GeneDx
Classification: Uncertain significance. Last evaluated: 2024-07-27. Review status: criteria provided, single submitter. Criteria: GeneDx Variant Classification Process June 2021. Collection method: clinical testing. Allele origin: germline. Affected: yes.
Comment: Not observed at significant frequency in large population cohorts (gnomAD); In silico analysis supports a deleterious effect on splicing; Has not been previously published as pathogenic or benign to our knowledge

Labcorp Genetics (formerly Invitae), Labcorp
Classification: Uncertain significance. Last evaluated: 2021-02-08. Review status: criteria provided, single submitter. Criteria: Invitae Variant Classification Sherloc (09022015). Collection method: clinical testing. Allele origin: germline.
Comment: This sequence change falls in intron 28 of the UNC80 gene. It does not directly change the encoded amino acid sequence of the UNC80 protein. It affects a nucleotide within the consensus splice site of the intron. This variant is not present in population databases (ExAC no frequency). This variant has not been reported in the literature in individuals with UNC80-related conditions. Nucleotide substitutions within the consensus splice site are a relatively common cause of aberrant splicing (PMID: 17576681, 9536098). Algorithms developed to predict the effect of sequence changes on RNA splicing suggest that this variant may disrupt the consensus splice site, but this prediction has not been confirmed by published transcriptional studies. In summary, the available evidence is currently insufficient to determine the role of this variant in disease. Therefore, it has been classified as a Variant of Uncertain Significance.

Literature cited by the submitters: PubMed 17576681 (cited by Labcorp Genetics (formerly Invitae), Labcorp); PubMed 9536098 (cited by Labcorp Genetics (formerly Invitae), Labcorp).

NM_001371986.1(UNC80):c.4782+5_4782+8del

Gene: UNC80 (unc-80 homolog, NALCN channel complex subunit; plus strand). Cytogenetic location: 2q34.
Variant type: Microsatellite.
Coding change: c.4782+5_4782+8del on transcript NM_001371986.1 (MANE Select); bases 5 to 8 of the intron after coding-DNA position 4782, 4 bases deleted (GTAA; older notation c.4782+5_4782+8delGTAA).
Molecular consequence: splice donor variant.
Genome position (GRCh38, 1-based): chr2:209,904,970-209,904,973, GTAA deleted; deleting any 4 consecutive bases within chr2:209,904,964-209,904,973 gives the same sequence; the c. name uses the placement nearest the transcript's 3' end. VCF-style (leftmost placement, unchanged base first): chr2-209904963-GAAGT-G. GRCh37 (hg19) VCF-style: chr2-210769687-GAAGT-G.
Other names: c.4584+5_4584+8del (NM_032504.2); c.4569+5_4569+8del (NM_182587.4).
Identifiers: ClinVar variation 1370739 (VCV001370739.4), dbSNP rs1201281609, ClinGen allele CA539391299.